The following is an entry in ClinVar:

NM_001256545.2(MEGF10):c.689A>G (p.His230Arg)

Gene: MEGF10 (multiple EGF like domains 10; plus strand). Cytogenetic location: 5q23.2.
Variant type: single nucleotide variant.
Coding change: c.689A>G on transcript NM_001256545.2 (MANE Select); coding-DNA position 689, A replaced by G.
Protein change: p.His230Arg; replaces histidine 230 with arginine.
Molecular consequence: missense variant.
Genome position (GRCh38, 1-based): chr5:127,398,705, A>G. VCF-style: chr5-127398705-A-G. GRCh37 (hg19) VCF-style: chr5-126734397-A-G.
Other names: c.689A>G, p.His230Arg (NM_001308119.2, NM_001308121.2, NM_032446.3); short protein forms H230R.
Identifiers: ClinVar variation 1414572 (VCV001414572.6), dbSNP rs776233986, ClinGen allele CA3391383.

ClinVar aggregate classification (germline): Uncertain significance (1 of 4 stars; one submission).

Conditions:
MEGF10-related myopathy (CMYO10A). Also called: Congenital myopathy 10A, severe variant. Identifiers: Orphanet 439212, MedGen C3280679, MONDO:0013731, OMIM 614399.

Allele frequency attached by ClinVar (database versions not stated): gnomAD exomes below 0.00001; TOPMed below 0.00001; ExAC 0.00001.
gnomAD v4.1: 2 of 1,614,138 alleles (0.00012%); highest among the groups gnomAD compares: Non-Finnish European, 0.000085%; no homozygotes.

Submission:

Labcorp Genetics (formerly Invitae), Labcorp
Classification: Uncertain significance for MEGF10-related myopathy. Last evaluated: 2021-09-01. Review status: criteria provided, single submitter. Criteria: Invitae Variant Classification Sherloc (09022015). Collection method: clinical testing. Allele origin: germline.
Comment: This sequence change replaces histidine with arginine at codon 230 of the MEGF10 protein (p.His230Arg). The histidine residue is highly conserved and there is a small physicochemical difference between histidine and arginine. This variant is present in population databases (rs776233986, ExAC 0.001%). This variant has not been reported in the literature in individuals affected with MEGF10-related conditions. Algorithms developed to predict the effect of missense changes on protein structure and function are either unavailable or do not agree on the potential impact of this missense change (SIFT: "Deleterious"; PolyPhen-2: "Benign"; Align-GVGD: "Class C25"). In summary, the available evidence is currently insufficient to determine the role of this variant in disease. Therefore, it has been classified as a Variant of Uncertain Significance.